The following is an entry in ClinVar:

NM_001035.3(RYR2):c.10230+9_10230+15del

Gene: RYR2 (ryanodine receptor 2; plus strand). Cytogenetic location: 1q43.
Variant type: Deletion.
Coding change: c.10230+9_10230+15del on transcript NM_001035.3 (MANE Select); bases 9 to 15 of the intron after coding-DNA position 10230, 7 bases deleted (GAAAATA; older notation c.10230+9_10230+15delGAAAATA).
Molecular consequence: intron variant.
Genome position (GRCh38, 1-based): chr1:237,709,576-237,709,582, GAAAATA deleted. VCF-style (leftmost placement, unchanged base first): chr1-237709575-TGAAAATA-T. GRCh37 (hg19) VCF-style: chr1-237872875-TGAAAATA-T.
Other names: c.10230+9_10230+15del (NM_001035.2); c.10230+9_10230+15delGAAAATA (NM_001035.3).
Identifiers: ClinVar variation 793162 (VCV000793162.13), dbSNP rs1573617993, ClinGen allele CA915942092.

ClinVar aggregate classification (germline): Likely benign. Review status: criteria provided, multiple submitters, no conflicts (2 of 4 stars). 2 submissions from 2 submitters: Likely benign (2). Last evaluated 2025-09-29.

Conditions:
Catecholaminergic polymorphic ventricular tachycardia 1. Also called: RYR2-Related Catecholaminergic Polymorphic Ventricular Tachycardia; VENTRICULAR TACHYCARDIA, CATECHOLAMINERGIC POLYMORPHIC, 1, WITH OR WITHOUT ATRIAL DYSFUNCTION AND/OR DILATED CARDIOMYOPATHY; VENTRICULAR TACHYCARDIA, STRESS-INDUCED POLYMORPHIC 1. Identifiers: Orphanet 3286, MedGen C1631597, MONDO:0011484, OMIM 604772.

Allele frequency attached by ClinVar (database versions not stated): gnomAD exomes below 0.00001.

Submissions (2):

Women's Health and Genetics/Laboratory Corporation of America, LabCorp
Classification: Likely benign. Last evaluated: 2025-09-29. Review status: criteria provided, single submitter. Criteria: LabCorp Variant Classification Summary - May 2015. Collection method: clinical testing. Allele origin: germline.
Comment: Variant summary: RYR2 c.10230+9_10230+15delGAAAATA alters a nucleotide located at a position not widely known to affect splicing. Consensus agreement among computation tools predict no significant impact on normal splicing. However, these predictions have yet to be confirmed by functional studies. The variant was absent in 228362 control chromosomes. The available data on variant occurrences in the general population are insufficient to allow any conclusion about variant significance. To our knowledge, no occurrence of c.10230+9_10230+15delGAAAATA in individuals affected with RYR2-related conditions and no experimental evidence demonstrating its impact on protein function have been reported. ClinVar contains an entry for this variant (Variation ID: 793162). Based on the evidence outlined above, the variant was classified as likely benign.

Labcorp Genetics (formerly Invitae), Labcorp
Classification: Likely benign for Catecholaminergic polymorphic ventricular tachycardia 1. Last evaluated: 2023-07-28. Review status: criteria provided, single submitter. Criteria: Invitae Variant Classification Sherloc (09022015). Collection method: clinical testing. Allele origin: germline.